The following is an entry in ClinVar:

NM_003055.3(SLC18A3):c.646G>T (p.Val216Leu)

Genes: CHAT (choline O-acetyltransferase; plus strand), SLC18A3 (solute carrier family 18 member A3; plus strand). Cytogenetic location: 10q11.23.
Variant type: single nucleotide variant.
Coding change: c.646G>T on transcript NM_003055.3 (MANE Select); coding-DNA position 646, G replaced by T.
Protein change: p.Val216Leu; replaces valine 216 with leucine.
Molecular consequence: missense variant. On other transcripts: intron variant (1).
Genome position (GRCh38, 1-based): chr10:49,611,386, G>T. VCF-style: chr10-49611386-G-T. GRCh37 (hg19) VCF-style: chr10-50819432-G-T.
Other names: c.-69+2187G>T (NM_020984.4); short protein forms V216L.
Identifiers: ClinVar variation 1413308 (VCV001413308.9), dbSNP rs140414320, ClinGen allele CA5496813.

ClinVar aggregate classification (germline): Uncertain significance. Review status: criteria provided, multiple submitters, no conflicts (2 of 4 stars). 3 submissions from 3 submitters: Uncertain significance (3). Last evaluated 2025-05-16.

Conditions:
Congenital myasthenic syndrome 21. Also called: Myasthenic syndrome, congenital, 21, presynaptic. Identifiers: MedGen C4310654, MONDO:0014983, OMIM 617239.
Inborn genetic diseases. Identifiers: MedGen C0950123, MeSH D030342.

Allele frequency attached by ClinVar (database versions not stated): ExAC 0.00005; gnomAD 0.00001 and 0.00002; ESP Exome Variant Server 0.00008; TOPMed 0.00003.
gnomAD v4.1: 112 of 1,598,970 alleles (0.007%); highest among the groups gnomAD compares: Middle Eastern, 0.033%; 1 homozygote.

Submissions (3):

Revvity Omics, Revvity
Classification: Uncertain significance for Congenital myasthenic syndrome 21. Last evaluated: 2025-05-16. Review status: criteria provided, single submitter. Criteria: ACMG Guidelines, 2015. Collection method: clinical testing. Allele origin: germline.

Ambry Genetics
Classification: Uncertain significance for Inborn genetic diseases. Last evaluated: 2023-05-31. Review status: criteria provided, single submitter. Criteria: Ambry Variant Classification Scheme 2023. Collection method: clinical testing. Allele origin: germline.

Labcorp Genetics (formerly Invitae), Labcorp
Classification: Uncertain significance. Last evaluated: 2022-02-10. Review status: criteria provided, single submitter. Criteria: Invitae Variant Classification Sherloc (09022015). Collection method: clinical testing. Allele origin: germline.
Comment: This sequence change replaces valine, which is neutral and non-polar, with leucine, which is neutral and non-polar, at codon 216 of the SLC18A3 protein (p.Val216Leu). This variant is present in population databases (rs140414320, gnomAD 0.009%). This variant has not been reported in the literature in individuals affected with SLC18A3-related conditions. Algorithms developed to predict the effect of missense changes on protein structure and function output the following: SIFT: "Tolerated"; PolyPhen-2: "Benign"; Align-GVGD: "Class C0". The leucine amino acid residue is found in multiple mammalian species, which suggests that this missense change does not adversely affect protein function. In summary, the available evidence is currently insufficient to determine the role of this variant in disease. Therefore, it has been classified as a Variant of Uncertain Significance.